The following is an entry in ClinVar:

ClinVar aggregate classification (germline): Likely benign (1 of 4 stars; one submission).

Conditions:
ABCB4-related disorder. Also called: ABCB4-related disorders; ABCB4-related condition.

gnomAD v4.1: 20 of 1,614,042 alleles (0.0012%); highest among the groups gnomAD compares: South Asian, 0.0044%; 1 homozygote.

Submission:

PreventionGenetics, part of Exact Sciences
Classification: Likely benign for ABCB4-related condition. Last evaluated: 2024-12-27. Review status: criteria provided, single submitter. Criteria: ACMG Guidelines, 2015. Collection method: clinical testing. Allele origin: germline.
Comment: This variant is classified as likely benign based on ACMG/AMP sequence variant interpretation guidelines (Richards et al. 2015 PMID: 25741868, with internal and published modifications).

NM_000443.4(ABCB4):c.-6-3C>T

Genes: ABCB4 (ATP binding cassette subfamily B member 4; minus strand), LOC129998756 (ATAC-STARR-seq lymphoblastoid silent region 18347; plus strand). Cytogenetic location: 7q21.12.
Variant type: single nucleotide variant.
Coding change: c.-6-3C>T on transcript NM_000443.4 (MANE Select); 3 bases into the intron before 6 bases upstream of the start codon, C replaced by T.
Molecular consequence: intron variant.
Genome position (GRCh38, 1-based): chr7:87,475,474, G>A on the plus strand (C>T on the coding strand, the complement: ABCB4 is on the minus strand). VCF-style: chr7-87475474-G-A. GRCh37 (hg19) VCF-style: chr7-87104790-G-A.
Other names: c.-6-3C>T (NM_018850.3, NM_018849.3).
Identifiers: ClinVar variation 4980783 (VCV004980783.1).